The following is an entry in ClinVar:

NM_006015.6(ARID1A):c.2332G>A (p.Gly778Arg)

Gene: ARID1A (AT-rich interaction domain 1A; plus strand). Cytogenetic location: 1p36.11.
Variant type: single nucleotide variant.
Coding change: c.2332G>A on transcript NM_006015.6 (MANE Select); coding-DNA position 2332, G replaced by A.
Protein change: p.Gly778Arg; replaces glycine 778 with arginine.
Molecular consequence: missense variant.
Genome position (GRCh38, 1-based): chr1:26,762,232, G>A. VCF-style: chr1-26762232-G-A. GRCh37 (hg19) VCF-style: chr1-27088723-G-A.
Other names: c.2332G>A, p.Gly778Arg (NM_139135.4); short protein forms G778R.
Identifiers: ClinVar variation 2984131 (VCV002984131.3), dbSNP rs990194975, ClinGen allele CA19797920.

ClinVar aggregate classification (germline): Uncertain significance (1 of 4 stars; one submission).

Allele frequency attached by ClinVar (database versions not stated): gnomAD exomes below 0.00001; TOPMed 0.00002; gnomAD 0.00003.
gnomAD v4.1: 11 of 1,614,020 alleles (0.00068%); highest among the groups gnomAD compares: Non-Finnish European, 0.00085%; no homozygotes.

Submission:

Labcorp Genetics (formerly Invitae), Labcorp
Classification: Uncertain significance. Last evaluated: 2025-10-07. Review status: criteria provided, single submitter. Criteria: Invitae Variant Classification Sherloc (09022015). Collection method: clinical testing. Allele origin: germline.
Comment: This sequence change replaces glycine, which is neutral and non-polar, with arginine, which is basic and polar, at codon 778 of the ARID1A protein (p.Gly778Arg). This variant is present in population databases (no rsID available, gnomAD 0.006%). This variant has not been reported in the literature in individuals affected with ARID1A-related conditions. ClinVar contains an entry for this variant (Variation ID: 2984131). Invitae Evidence Modeling of protein sequence and biophysical properties (such as structural, functional, and spatial information, amino acid conservation, physicochemical variation, residue mobility, and thermodynamic stability) has been performed for this missense variant. However, the output from this modeling did not meet the statistical confidence thresholds required to predict the impact of this variant on ARID1A protein function. In summary, the available evidence is currently insufficient to determine the role of this variant in disease. Therefore, it has been classified as a Variant of Uncertain Significance.